The following is an entry in ClinVar:

ClinVar aggregate classification (germline): Uncertain significance. Review status: criteria provided, multiple submitters, no conflicts (2 of 4 stars). 2 submissions from 2 submitters: Uncertain significance (2). Last evaluated 2025-09-14.

Conditions:
Charcot-Marie-Tooth disease type 2. Also called: Charcot-Marie-Tooth type 2. Identifiers: Orphanet 64746, MedGen C0270914, MONDO:0018993.

Allele frequency attached by ClinVar (database versions not stated): TOPMed 0.00001; gnomAD exomes below 0.00001; gnomAD 0.00001.

Submissions (2):

Labcorp Genetics (formerly Invitae), Labcorp
Classification: Uncertain significance for Charcot-Marie-Tooth disease type 2. Last evaluated: 2025-09-14. Review status: criteria provided, single submitter. Criteria: Invitae Variant Classification Sherloc (09022015). Collection method: clinical testing. Allele origin: germline.
Comment: This sequence change replaces leucine, which is neutral and non-polar, with proline, which is neutral and non-polar, at codon 161 of the AARS protein (p.Leu161Pro). This variant is not present in population databases (gnomAD no frequency). This variant has not been reported in the literature in individuals affected with AARS-related conditions. ClinVar contains an entry for this variant (Variation ID: 1682304). An algorithm developed to predict the effect of missense changes on protein structure and function (PolyPhen-2) suggests that this variant is likely to be disruptive. In summary, the available evidence is currently insufficient to determine the role of this variant in disease. Therefore, it has been classified as a Variant of Uncertain Significance.

Breakthrough Genomics
Classification: Uncertain significance. Review status: criteria provided, single submitter. Criteria: ACMG Guidelines, 2015. Collection method: not provided. Allele origin: germline. Inheritance: Autosomal recessive inheritance. Affected: yes.

NM_001605.3(AARS1):c.482T>C (p.Leu161Pro)

Gene: AARS1 (alanyl-tRNA synthetase 1; minus strand). Cytogenetic location: 16q22.1.
Variant type: single nucleotide variant.
Coding change: c.482T>C on transcript NM_001605.3 (MANE Select); coding-DNA position 482, T replaced by C.
Protein change: p.Leu161Pro; replaces leucine 161 with proline.
Molecular consequence: missense variant.
Genome position (GRCh38, 1-based): chr16:70,271,970, A>G on the plus strand (T>C on the coding strand, the complement: AARS1 is on the minus strand). VCF-style: chr16-70271970-A-G. GRCh37 (hg19) VCF-style: chr16-70305873-A-G.
Other names: short protein forms L161P.
Identifiers: ClinVar variation 1682304 (VCV001682304.7), dbSNP rs1960417011, ClinGen allele CA396567119.
Genomic context (GRCh38, chr16:70,271,970, plus strand): 5'-GTGTCACCCATCTCCCAGAAGTTATCCTTCATGTTGCCTGGGAGGATTTTGGTGTCATCC[A>G]GCCTGACAAAGGAGTAAAGATAAGTCCAGTTACAGCCCCTGACAAGAGTTCTGCCCAGAC-3'
Protein context (NP_001596.2, residues 151-171): ECKQIWQNLG[Leu161Pro]DDTKILPGNM